The following is an entry in ClinVar:

NM_014363.6(SACS):c.6496C>T (p.Arg2166Cys)

Gene: SACS (sacsin molecular chaperone; minus strand). Cytogenetic location: 13q12.12.
Variant type: single nucleotide variant.
Coding change: c.6496C>T on transcript NM_014363.6 (MANE Select); coding-DNA position 6496, C replaced by T.
Protein change: p.Arg2166Cys; replaces arginine 2166 with cysteine.
Molecular consequence: missense variant.
Genome position (GRCh38, 1-based): chr13:23,337,380, G>A on the plus strand (C>T on the coding strand, the complement: SACS is on the minus strand). VCF-style: chr13-23337380-G-A. GRCh37 (hg19) VCF-style: chr13-23911519-G-A.
Other names: c.6055C>T, p.Arg2019Cys (NM_001278055.2); short protein forms R2019C, R2166C.
Identifiers: ClinVar variation 1003760 (VCV001003760.3), dbSNP rs764516788, ClinGen allele CA6911071.

ClinVar aggregate classification (germline): Uncertain significance. Review status: criteria provided, single submitter (1 of 4 stars). 2 submissions from 2 submitters: Uncertain significance (1). 1 of the submissions does not count toward it. Last evaluated 2022-08-15.

Conditions:
Spastic paraplegia. Identifiers: MedGen C0037772, HP:0001258.
Charlevoix-Saguenay spastic ataxia (SACS). Also called: Spastic ataxia of Charlevoix-Saguenay; SPASTIC ATAXIA 6, AUTOSOMAL RECESSIVE; AUTOSOMAL RECESSIVE SPASTIC ATAXIA OF CHARLEVOIX-SAGUENAY. Identifiers: Orphanet 98, MedGen C1849140, MONDO:0010041, OMIM 270550.

Allele frequency attached by ClinVar (database versions not stated): ExAC 0.00002; gnomAD exomes 0.00003; gnomAD 0.00004; TOPMed 0.00002.
gnomAD v4.1: 64 of 1,613,576 alleles (0.004%); highest among the groups gnomAD compares: African/African-American, 0.0053%; no homozygotes.

Submissions (2):

Labcorp Genetics (formerly Invitae), Labcorp
Classification: Uncertain significance for Spastic paraplegia. Last evaluated: 2022-08-15. Review status: criteria provided, single submitter. Criteria: Invitae Variant Classification Sherloc (09022015). Collection method: clinical testing. Allele origin: germline.
Comment: This sequence change replaces arginine, which is basic and polar, with cysteine, which is neutral and slightly polar, at codon 2166 of the SACS protein (p.Arg2166Cys). This variant is present in population databases (rs764516788, gnomAD 0.01%). This variant has not been reported in the literature in individuals affected with SACS-related conditions. ClinVar contains an entry for this variant (Variation ID: 1003760). Algorithms developed to predict the effect of missense changes on protein structure and function are either unavailable or do not agree on the potential impact of this missense change (SIFT: "Deleterious"; PolyPhen-2: "Probably Damaging"; Align-GVGD: "Class C0"). In summary, the available evidence is currently insufficient to determine the role of this variant in disease. Therefore, it has been classified as a Variant of Uncertain Significance.

Natera, Inc.
Classification: Uncertain significance for Charlevoix-Saguenay type spastic ataxia. Last evaluated: 2020-03-11. Review status: no assertion criteria provided. Collection method: clinical testing. Allele origin: germline. Not counted in ClinVar's aggregate classification.